The following is an entry in ClinVar:

ClinVar aggregate classification (germline): Likely benign (1 of 4 stars; one submission).

Allele frequency attached by ClinVar (database versions not stated): gnomAD exomes below 0.00001 and 0.00002; TOPMed 0.00001; ExAC 0.00002; gnomAD 0.00002.
gnomAD v4.1: 4 of 1,614,036 alleles (0.00025%); highest among the groups gnomAD compares: East Asian, 0.0067%; no homozygotes.

Submission:

GeneDx
Classification: Likely benign. Last evaluated: 2016-03-03. Review status: criteria provided, single submitter. Criteria: GeneDx Variant Classification (06012015). Collection method: clinical testing. Allele origin: germline. Affected: yes.
Comment: This variant is considered likely benign or benign based on one or more of the following criteria: it is a conservative change, it occurs at a poorly conserved position in the protein, it is predicted to be benign by multiple in silico algorithms, and/or has population frequency not consistent with disease.

NM_032634.4(PIGO):c.300C>T (p.Phe100=)

Gene: PIGO (phosphatidylinositol glycan anchor biosynthesis class O; minus strand). Cytogenetic location: 9p13.3.
Variant type: single nucleotide variant.
Coding change: c.300C>T on transcript NM_032634.4 (MANE Select); coding-DNA position 300, C replaced by T.
Protein change: p.Phe100=; no amino-acid change (phenylalanine 100 retained).
Molecular consequence: synonymous variant.
Genome position (GRCh38, 1-based): chr9:35,095,266, G>A on the plus strand (C>T on the coding strand, the complement: PIGO is on the minus strand). VCF-style: chr9-35095266-G-A. GRCh37 (hg19) VCF-style: chr9-35095263-G-A.
Other names: c.300C>T, p.Phe100= (NM_001201484.2, NM_152850.4).
Identifiers: ClinVar variation 383994 (VCV000383994.1), dbSNP rs760405794, ClinGen allele CA5040976.